The following is an entry in ClinVar:

ClinVar aggregate classification (germline): Conflicting classifications of pathogenicity. Review status: criteria provided, conflicting classifications (1 of 4 stars). 10 submissions from 10 submitters: Uncertain significance (2); Benign (1); Likely benign (5). 2 of the submissions do not count toward it. Last evaluated 2026-02-03.

Conditions:
Inborn genetic diseases. Identifiers: MedGen C0950123, MeSH D030342.
Progressive myoclonic epilepsy type 3. Also called: EPILEPSY, PROGRESSIVE MYOCLONIC, 3, WITHOUT INTRACELLULAR INCLUSIONS; KCTD7-Related Progressive Myoclonic Epilepsy; EPILEPSY, PROGRESSIVE MYOCLONIC, 3, WITH OR WITHOUT INTRACELLULAR INCLUSIONS; CEROID LIPOFUSCINOSIS, NEURONAL, 14. Identifiers: Orphanet 263516, MedGen C2673257, MONDO:0012721, OMIM 611726.

Allele frequency attached by ClinVar (database versions not stated): ExAC 0.00014; ESP Exome Variant Server 0.00015; gnomAD exomes 0.00019 and 0.00033; gnomAD 0.00022 and 0.00024; TOPMed 0.00022.
gnomAD v4.1: 521 of 1,613,958 alleles (0.032%); highest among the groups gnomAD compares: Non-Finnish European, 0.042%; no homozygotes.

Submissions (10):

Labcorp Genetics (formerly Invitae), Labcorp
Classification: Likely benign for Progressive myoclonic epilepsy type 3. Last evaluated: 2026-02-03. Review status: criteria provided, single submitter. Criteria: Invitae Variant Classification Sherloc (09022015). Collection method: clinical testing. Allele origin: germline.

Mayo Clinic Laboratories, Mayo Clinic
Classification: Likely benign. Last evaluated: 2025-05-30. Review status: criteria provided, single submitter. Criteria: ACMG Guidelines, 2015. Collection method: clinical testing. Allele origin: germline. Observed: 2 variant alleles.
Comment: BP4, BP7

Blueprint Genetics
Classification: Likely benign. Last evaluated: 2024-01-30. Review status: criteria provided, single submitter. Criteria: ACMG Guidelines, 2015. Collection method: clinical testing. Allele origin: germline.

CeGaT Center for Human Genetics Tuebingen
Classification: Likely benign. Last evaluated: 2024-01-01. Review status: criteria provided, single submitter. Criteria: CeGaT Center For Human Genetics Tuebingen Variant Classification Criteria Version 2. Collection method: clinical testing. Allele origin: germline. Affected: yes. Observed: 1 variant allele.
Comment: KCTD7: BP4, BP7

Illumina Laboratory Services, Illumina
Classification: Uncertain significance for Progressive myoclonic epilepsy type 3. Last evaluated: 2018-01-13. Review status: criteria provided, single submitter. Criteria: ICSL Variant Classification Criteria 13 December 2019. Collection method: clinical testing. Allele origin: germline.

Ambry Genetics
Classification: Likely benign for Inborn genetic diseases. Last evaluated: 2016-10-29. Review status: criteria provided, single submitter. Criteria: Ambry Variant Classification Scheme 2023. Collection method: clinical testing. Allele origin: germline.

Eurofins Ntd Llc (ga)
Classification: Uncertain significance. Last evaluated: 2014-08-26. Review status: criteria provided, single submitter. Criteria: EGL Classification Definitions 2015. Collection method: clinical testing. Allele origin: germline. Observed: 1 variant allele, 1 heterozygote.

GeneDx
Classification: Benign. Last evaluated: 2014-05-14. Review status: criteria provided, single submitter. Criteria: GeneDx Variant Classification (06012015). Collection method: clinical testing. Allele origin: germline. Affected: yes.
Comment: This variant is considered likely benign or benign based on one or more of the following criteria: it is a conservative change, it occurs at a poorly conserved position in the protein, it is predicted to be benign by multiple in silico algorithms, and/or has population frequency not consistent with disease.

Clinical Genetics DNA and cytogenetics Diagnostics Lab, Erasmus MC, Erasmus Medical Center
Classification: Likely benign. Review status: no assertion criteria provided. Collection method: clinical testing. Allele origin: germline. Affected: yes. Study: VKGL Data-share Consensus. Not counted in ClinVar's aggregate classification.

Genome Diagnostics Laboratory, University Medical Center Utrecht
Classification: Likely benign. Review status: no assertion criteria provided. Collection method: clinical testing. Allele origin: germline. Affected: yes. Study: VKGL Data-share Consensus. Not counted in ClinVar's aggregate classification.

NM_153033.5(KCTD7):c.687T>C (p.Asp229=)

Gene: KCTD7 (potassium channel tetramerization domain containing 7; plus strand). Cytogenetic location: 7q11.21.
Variant type: single nucleotide variant.
Coding change: c.687T>C on transcript NM_153033.5 (MANE Select); coding-DNA position 687, T replaced by C.
Protein change: p.Asp229=; no amino-acid change (aspartic acid 229 retained).
Molecular consequence: synonymous variant.
Genome position (GRCh38, 1-based): chr7:66,639,049, T>C. VCF-style: chr7-66639049-T-C. GRCh37 (hg19) VCF-style: chr7-66104036-T-C.
Other names: p.D229D:GAT>GAC; p.Asp229=; c.687T>C, p.Asp229= (NM_001167961.2).
Identifiers: ClinVar variation 138054 (VCV000138054.49), dbSNP rs372150992, ClinGen allele CA232545.